The following is an entry in ClinVar:

NM_001204.7(BMPR2):c.1581T>G (p.Asn527Lys)

Gene: BMPR2 (bone morphogenetic protein receptor type 2; plus strand). Cytogenetic location: 2q33.2.
Variant type: single nucleotide variant.
Coding change: c.1581T>G on transcript NM_001204.7 (MANE Select); coding-DNA position 1581, T replaced by G.
Protein change: p.Asn527Lys; replaces asparagine 527 with lysine.
Molecular consequence: missense variant.
Genome position (GRCh38, 1-based): chr2:202,552,883, T>G. VCF-style: chr2-202552883-T-G. GRCh37 (hg19) VCF-style: chr2-203417606-T-G.
Other names: short protein forms N527K.
Identifiers: ClinVar variation 3481320 (VCV003481320.1).

ClinVar aggregate classification (germline): Uncertain significance (1 of 4 stars; one submission).

Conditions:
Inborn genetic diseases. Identifiers: MedGen C0950123, MeSH D030342.

gnomAD v4.1: 2 of 1,614,222 alleles (0.00012%); highest among the groups gnomAD compares: Non-Finnish European, 0.00017%; no homozygotes.

Submission:

Ambry Genetics
Classification: Uncertain significance for Inborn genetic diseases. Last evaluated: 2024-11-28. Review status: criteria provided, single submitter. Criteria: Ambry Variant Classification Scheme 2023. Collection method: clinical testing. Allele origin: germline.
Comment: The p.N527K variant (also known as c.1581T>G), located in coding exon 11 of the BMPR2 gene, results from a T to G substitution at nucleotide position 1581. The asparagine at codon 527 is replaced by lysine, an amino acid with similar properties. This amino acid position is conserved. In addition, the in silico prediction for this alteration is inconclusive. Based on the available evidence, the clinical significance of this variant remains unclear.